The following is an entry in ClinVar:

NM_003922.4(HERC1):c.12805A>G (p.Ile4269Val)

Gene: HERC1 (HECT and RLD domain containing E3 ubiquitin protein ligase family member 1; minus strand). Cytogenetic location: 15q22.31.
Variant type: single nucleotide variant.
Coding change: c.12805A>G on transcript NM_003922.4 (MANE Select); coding-DNA position 12805, A replaced by G.
Protein change: p.Ile4269Val; replaces isoleucine 4269 with valine.
Molecular consequence: missense variant.
Genome position (GRCh38, 1-based): chr15:63,630,627, T>C on the plus strand (A>G on the coding strand, the complement: HERC1 is on the minus strand). VCF-style: chr15-63630627-T-C. GRCh37 (hg19) VCF-style: chr15-63922826-T-C.
Other names: short protein forms I4269V.
Identifiers: ClinVar variation 1925102 (VCV001925102.5), dbSNP rs887503598, ClinGen allele CA272097711.

ClinVar aggregate classification (germline): Uncertain significance (1 of 4 stars; one submission).

Allele frequency attached by ClinVar (database versions not stated): gnomAD exomes below 0.00001.
gnomAD v4.1: 4 of 1,610,572 alleles (0.00025%); highest among the groups gnomAD compares: Non-Finnish European, 0.00034%; no homozygotes.

Submission:

Labcorp Genetics (formerly Invitae), Labcorp
Classification: Uncertain significance. Last evaluated: 2022-03-04. Review status: criteria provided, single submitter. Criteria: Invitae Variant Classification Sherloc (09022015). Collection method: clinical testing. Allele origin: germline.
Comment: In summary, the available evidence is currently insufficient to determine the role of this variant in disease. Therefore, it has been classified as a Variant of Uncertain Significance. Algorithms developed to predict the effect of missense changes on protein structure and function (SIFT, PolyPhen-2, Align-GVGD) all suggest that this variant is likely to be disruptive. This variant has not been reported in the literature in individuals affected with HERC1-related conditions. This variant is not present in population databases (gnomAD no frequency). This sequence change replaces isoleucine, which is neutral and non-polar, with valine, which is neutral and non-polar, at codon 4269 of the HERC1 protein (p.Ile4269Val).